The following is an entry in ClinVar:

ClinVar aggregate classification (germline): Uncertain significance. Review status: criteria provided, multiple submitters, no conflicts (2 of 4 stars). 2 submissions from 2 submitters: Uncertain significance (2). Last evaluated 2022-07-06.

Conditions:
Walker-Warburg congenital muscular dystrophy. Also called: Muscular dystrophy-dystroglycanopathy, type A; Walker-Warburg syndrome. Identifiers: Orphanet 899, MedGen C0265221, MONDO:0000171.
Muscular dystrophy-dystroglycanopathy (congenital with impaired intellectual development), type B, 1. Also called: Muscular dystrophy-dystroglycanopathy (congenital with intellectual disability), type B1; MUSCULAR DYSTROPHY, CONGENITAL, POMT1-RELATED. Identifiers: MedGen C5436962, MONDO:0013159, OMIM 613155.
Autosomal recessive limb-girdle muscular dystrophy type 2K. Also called: MUSCULAR DYSTROPHY-DYSTROGLYCANOPATHY (LIMB-GIRDLE), TYPE C, 1; MUSCULAR DYSTROPHY, LIMB-GIRDLE, TYPE 2K. Identifiers: Orphanet 86812, MedGen C1836373, MONDO:0012248, OMIM 609308.

Allele frequency attached by ClinVar (database versions not stated): gnomAD 0.00001; gnomAD exomes 0.00001 and 0.00002; TOPMed 0.00001.
gnomAD v4.1: 10 of 1,612,998 alleles (0.00062%); highest among the groups gnomAD compares: South Asian, 0.0066%; no homozygotes.

Submissions (2):

Labcorp Genetics (formerly Invitae), Labcorp
Classification: Uncertain significance for Muscular dystrophy-dystroglycanopathy (congenital with impaired intellectual development), type B, 1; Walker-Warburg congenital muscular dystrophy; Autosomal recessive limb-girdle muscular dystrophy type 2K. Last evaluated: 2022-07-06. Review status: criteria provided, single submitter. Criteria: Invitae Variant Classification Sherloc (09022015). Collection method: clinical testing. Allele origin: germline.
Comment: This sequence change replaces aspartic acid, which is acidic and polar, with asparagine, which is neutral and polar, at codon 399 of the POMT1 protein (p.Asp399Asn). This variant is present in population databases (no rsID available, gnomAD 0.007%). This variant has not been reported in the literature in individuals affected with POMT1-related conditions. ClinVar contains an entry for this variant (Variation ID: 289043). Algorithms developed to predict the effect of missense changes on protein structure and function (SIFT, PolyPhen-2, Align-GVGD) all suggest that this variant is likely to be tolerated. In summary, the available evidence is currently insufficient to determine the role of this variant in disease. Therefore, it has been classified as a Variant of Uncertain Significance.

Eurofins Ntd Llc (ga)
Classification: Uncertain significance. Last evaluated: 2016-06-27. Review status: criteria provided, single submitter. Criteria: EGL Classification Definitions 2015. Collection method: clinical testing. Allele origin: germline. Observed: 1 variant allele, 1 heterozygote.

NM_001077365.2(POMT1):c.1129G>A (p.Asp377Asn)

Gene: POMT1 (protein O-mannosyltransferase 1; plus strand). Cytogenetic location: 9q34.13.
Variant type: single nucleotide variant.
Coding change: c.1129G>A on transcript NM_001077365.2 (MANE Select); coding-DNA position 1129, G replaced by A.
Protein change: p.Asp377Asn; replaces aspartic acid 377 with asparagine.
Molecular consequence: missense variant. On other transcripts: non-coding transcript variant (10), intron variant (1).
Genome position (GRCh38, 1-based): chr9:131,513,285, G>A. VCF-style: chr9-131513285-G-A. GRCh37 (hg19) VCF-style: chr9-134388672-G-A.
Other names: c.967G>A, p.Asp323Asn (NM_001077366.2, NM_001353194.2); c.1129G>A, p.Asp377Asn (NM_001136113.2, NM_001374690.1); c.778G>A, p.Asp260Asn (NM_001136114.2, NM_001353195.2, NM_001374691.1 and 1 more transcripts); c.1195G>A, p.Asp399Asn (NM_001353193.2, NM_007171.4); c.1039G>A, p.Asp347Asn (NM_001353196.2); c.1033G>A, p.Asp345Asn (NM_001353197.2, NM_001353198.2); c.844G>A, p.Asp282Asn (NM_001353199.2); c.673G>A, p.Asp225Asn (NM_001353200.2); and 3 more; short protein forms D399N, D225N, D345N, D282N, D260N, D377N, D323N, D347N.
Identifiers: ClinVar variation 289043 (VCV000289043.6), dbSNP rs886044066, ClinGen allele CA10606306.